The following is an entry in ClinVar:

NM_000138.5(FBN1):c.200G>A (p.Cys67Tyr)

Gene: FBN1 (fibrillin 1; minus strand). Cytogenetic location: 15q21.1.
Variant type: single nucleotide variant.
Coding change: c.200G>A on transcript NM_000138.5 (MANE Select); coding-DNA position 200, G replaced by A.
Protein change: p.Cys67Tyr; replaces cysteine 67 with tyrosine.
Molecular consequence: missense variant.
Genome position (GRCh38, 1-based): chr15:48,613,057, C>T on the plus strand (G>A on the coding strand, the complement: FBN1 is on the minus strand). VCF-style: chr15-48613057-C-T. GRCh37 (hg19) VCF-style: chr15-48905254-C-T.
Other names: c.200G>A, p.Cys67Tyr (NM_001406716.1, NM_001406717.1); short protein forms C67Y.
Identifiers: ClinVar variation 4871227 (VCV004871227.1).

ClinVar aggregate classification (germline): Pathogenic (1 of 4 stars; one submission).

Conditions:
Familial thoracic aortic aneurysm and aortic dissection (TAAD). Also called: Thoracic aortic aneurysms and dissections. Identifiers: Orphanet 91387, MedGen C4707243, MONDO:0019625.

Submission:

Ambry Genetics
Classification: Pathogenic for Familial thoracic aortic aneurysm and aortic dissection. Last evaluated: 2026-04-29. Review status: criteria provided, single submitter. Criteria: Ambry Variant Classification Scheme 2023. Collection method: clinical testing. Allele origin: germline.
Comment: The p.C67Y pathogenic mutation (also known as c.200G>A), located in coding exon 2 of the FBN1 gene, results from a G to A substitution at nucleotide position 200. The cysteine at codon 67 is replaced by tyrosine, an amino acid with highly dissimilar properties. This variant was reported in individual(s) with features consistent with Marfan syndrome and related fibrillinopathies; in at least one individual, it was determined to be de novo (Gezdirici A et al. J Hum Genet, 2021 Jul;66:647-657; Ambry internal data). The majority of FBN1 mutations identified to date have involved the substitution or generation of cysteine residues within cbEGF domains (Vollbrandt T et al. J Biol Chem. 2004;279(31):32924-32931). Internal structural analysis indicates this variant eliminates a disulfide bond critical for the structural integrity of the FUN domain (Ambry internal data). This amino acid position is highly conserved in available vertebrate species. In addition, this alteration is predicted to be deleterious by in silico analysis. This variant is considered to be rare based on population cohorts in the Genome Aggregation Database (gnomAD). Based on the supporting evidence, this variant is interpreted as a disease-causing mutation.

Literature cited by the submitters: PubMed 33483584.